The following is an entry in ClinVar:

NM_001165963.4(SCN1A):c.5006C>A (p.Ala1669Glu)

Genes: SCN1A (sodium voltage-gated channel alpha subunit 1; minus strand), LOC102724058 (uncharacterized LOC102724058; plus strand). Cytogenetic location: 2q24.3.
Variant type: single nucleotide variant.
Coding change: c.5006C>A on transcript NM_001165963.4 (MANE Select); coding-DNA position 5006, C replaced by A.
Protein change: p.Ala1669Glu; replaces alanine 1669 with glutamic acid.
Molecular consequence: missense variant. On other transcripts: non-coding transcript variant (1).
Genome position (GRCh38, 1-based): chr2:165,992,269, G>T on the plus strand (C>A on the coding strand, the complement: SCN1A is on the minus strand). VCF-style: chr2-165992269-G-T. GRCh37 (hg19) VCF-style: chr2-166848779-G-T.
Other names: c.4922C>A, p.Ala1641Glu (NM_001165964.3, NM_001353957.2, NM_001353958.2); c.5006C>A, p.Ala1669Glu (NM_001202435.3, NM_001353948.2); c.4973C>A, p.Ala1658Glu (NM_001353949.2, NM_001353950.2, NM_001353951.2 and 2 more transcripts); c.4970C>A, p.Ala1657Glu (NM_001353954.2, NM_001353955.2); c.4919C>A, p.Ala1640Glu (NM_001353960.2); c.2564C>A, p.Ala855Glu (NM_001353961.2); short protein forms A1669E, A1658E, A1657E, A855E, A1640E, A1641E.
Identifiers: ClinVar variation 29883 (VCV000029883.10), dbSNP rs397514458, ClinGen allele CA281748.

ClinVar aggregate classification (germline): Pathogenic. Review status: criteria provided, single submitter (1 of 4 stars). 2 submissions from 2 submitters: Pathogenic (1). 1 of the submissions does not count toward it. Last evaluated 2022-03-03.

Conditions:
Early-infantile DEE. Also called: Ohtahara syndrome; Early infantile epileptic encephalopathy; Early infantile epileptic encephalopathy with suppression bursts. Identifiers: Orphanet 1934, MedGen C0393706, MONDO:0800491.
Severe myoclonic epilepsy in infancy (DRVT). Also called: Dravet syndrome; Epileptic encephalopathy, early infantile, 6 (Dravet syndrome); SEVERE MYOCLONIC EPILEPSY OF INFANCY; Severe Myoclonic Epilepsy in Infancy (SMEI); DEVELOPMENTAL AND EPILEPTIC ENCEPHALOPATHY 6A. Identifiers: Orphanet 33069, MedGen C0751122, MONDO:0100135, OMIM 607208.

Submissions (2):

Labcorp Genetics (formerly Invitae), Labcorp
Classification: Pathogenic for Early-infantile DEE. Last evaluated: 2022-03-03. Review status: criteria provided, single submitter. Criteria: Invitae Variant Classification Sherloc (09022015). Collection method: clinical testing. Allele origin: germline.
Comment: This variant is not present in population databases (gnomAD no frequency). For these reasons, this variant has been classified as Pathogenic. This variant disrupts the p.Ala1669 amino acid residue in SCN1A. Other variant(s) that disrupt this residue have been determined to be pathogenic (PMID: 27113213). This suggests that this residue is clinically significant, and that variants that disrupt this residue are likely to be disease-causing. Advanced modeling of protein sequence and biophysical properties (such as structural, functional, and spatial information, amino acid conservation, physicochemical variation, residue mobility, and thermodynamic stability) performed at Invitae indicates that this missense variant is expected to disrupt SCN1A protein function. ClinVar contains an entry for this variant (Variation ID: 29883). This missense change has been observed in individuals with SCN1A-related conditions (PMID: 21555645; Invitae). This sequence change replaces alanine, which is neutral and non-polar, with glutamic acid, which is acidic and polar, at codon 1669 of the SCN1A protein (p.Ala1669Glu).

OMIM
Classification: Pathogenic for DRAVET SYNDROME. Last evaluated: 2011-05-01. Review status: no assertion criteria provided. Collection method: literature only. Allele origin: germline. Not counted in ClinVar's aggregate classification.

Literature cited by the submitters: PubMed 27113213 (cited by Labcorp Genetics (formerly Invitae), Labcorp); PubMed 21555645 (cited by Labcorp Genetics (formerly Invitae), Labcorp and OMIM).